The following is an entry in ClinVar:

ClinVar aggregate classification (germline): Uncertain significance. Review status: criteria provided, multiple submitters, no conflicts (2 of 4 stars). 2 submissions from 2 submitters: Uncertain significance (2). Last evaluated 2024-02-28.

Conditions:
Inborn genetic diseases. Identifiers: MedGen C0950123, MeSH D030342.
DOCK2 deficiency. Also called: Immunodeficiency 40. Identifiers: Orphanet 447737, MedGen C4225328, MONDO:0014637, OMIM 616433.

Allele frequency attached by ClinVar (database versions not stated): gnomAD exomes below 0.00001 and 0.00001; TOPMed below 0.00001; gnomAD 0.00001 and 0.00002; ExAC 0.00002.
gnomAD v4.1: 7 of 1,613,784 alleles (0.00043%); highest among the groups gnomAD compares: East Asian, 0.011%; no homozygotes.

Submissions (2):

Ambry Genetics
Classification: Uncertain significance for Inborn genetic diseases. Last evaluated: 2024-02-28. Review status: criteria provided, single submitter. Criteria: Ambry Variant Classification Scheme 2023. Collection method: clinical testing. Allele origin: germline.

Labcorp Genetics (formerly Invitae), Labcorp
Classification: Uncertain significance for DOCK2 deficiency. Last evaluated: 2022-11-01. Review status: criteria provided, single submitter. Criteria: Invitae Variant Classification Sherloc (09022015). Collection method: clinical testing. Allele origin: germline.
Comment: In summary, the available evidence is currently insufficient to determine the role of this variant in disease. Therefore, it has been classified as a Variant of Uncertain Significance. Algorithms developed to predict the effect of missense changes on protein structure and function are either unavailable or do not agree on the potential impact of this missense change (SIFT: "Deleterious"; PolyPhen-2: "Benign"; Align-GVGD: "Class C0"). ClinVar contains an entry for this variant (Variation ID: 1429879). This variant has not been reported in the literature in individuals affected with DOCK2-related conditions. This variant is present in population databases (rs753893848, gnomAD 0.02%). This sequence change replaces aspartic acid, which is acidic and polar, with glycine, which is neutral and non-polar, at codon 176 of the DOCK2 protein (p.Asp176Gly).

NM_004946.3(DOCK2):c.527A>G (p.Asp176Gly)

Gene: DOCK2 (dedicator of cytokinesis 2; plus strand). Cytogenetic location: 5q35.1.
Variant type: single nucleotide variant.
Coding change: c.527A>G on transcript NM_004946.3 (MANE Select); coding-DNA position 527, A replaced by G.
Protein change: p.Asp176Gly; replaces aspartic acid 176 with glycine.
Molecular consequence: missense variant. On other transcripts: non-coding transcript variant (1).
Genome position (GRCh38, 1-based): chr5:169,681,800, A>G. VCF-style: chr5-169681800-A-G. GRCh37 (hg19) VCF-style: chr5-169108804-A-G.
Other names: c.527A>G (NM_004946.2); short protein forms D176G.
Identifiers: ClinVar variation 1429879 (VCV001429879.7), dbSNP rs753893848, ClinGen allele CA3553192.